The following is an entry in ClinVar:

NM_014633.5(CTR9):c.50T>C (p.Ile17Thr)

Gene: CTR9 (CTR9 component of Paf1/RNA polymerase II complex; plus strand). Cytogenetic location: 11p15.4.
Variant type: single nucleotide variant.
Coding change: c.50T>C on transcript NM_014633.5 (MANE Select); coding-DNA position 50, T replaced by C.
Protein change: p.Ile17Thr; replaces isoleucine 17 with threonine.
Molecular consequence: missense variant.
Genome position (GRCh38, 1-based): chr11:10,752,676, T>C. VCF-style: chr11-10752676-T-C. GRCh37 (hg19) VCF-style: chr11-10774223-T-C.
Other names: c.50T>C, p.Ile17Thr (NM_001346279.2); c.50T>C (NM_014633.4); short protein forms I17T.
Identifiers: ClinVar variation 1173020 (VCV001173020.18), dbSNP rs2135353090, ClinGen allele CA379674920.

ClinVar aggregate classification (germline): Pathogenic/Likely pathogenic. Review status: criteria provided, multiple submitters, no conflicts (2 of 4 stars). 4 submissions from 4 submitters: Pathogenic (1); Likely pathogenic (2). 1 of the submissions does not count toward it. Last evaluated 2025-02-24.

Conditions:
CTR9-related neurodevelopmental disorder. Identifiers: MedGen CN378764, MONDO:1040006.
Neurodevelopmental disorder. Identifiers: MedGen C1535926, MeSH D065886, MONDO:0700092.

Submissions (4):

Victorian Clinical Genetics Services, Murdoch Childrens Research Institute
Classification: Pathogenic for Neurodevelopmental disorder. Last evaluated: 2025-02-24. Review status: criteria provided, single submitter. Criteria: ACMG Guidelines, 2015. Collection method: clinical testing. Allele origin: germline. Affected: yes.
Comment: This variant is classified as Pathogenic. Evidence in support of pathogenic classification: Variant is absent from gnomAD (v2, v3 and v4); This variant has limited previous evidence of pathogenicity in unrelated individuals. This variant has been classified once as likely pathogenic by a clinical laboratory (ClinVar). This variant has also been reported in a heterozygous state in an individual with a neurodevelopmental disorder as a VUS (PMID: 35499524); Another missense variant comparable to the one identified in this case has limited previous evidence for pathogenicity. The c.49A>T; p.(Ile17Phe) variant has been classified as likely pathogenic in an individual with abnormality of the nervous system (DECIPHER); Missense variant in a region that is highly intolerant to missense variation (high constraint region in DECIPHER); Missense variant predicted to be damaging by in silico tool(s) or highly conserved with a major amino acid change; Additional information: Variant is predicted to result in a missense amino acid change from isoleucine to threonine; This variant is heterozygous; This gene is associated with autosomal dominant disease; Segregation evidence for this variant is inconclusive. An affected child inherited the variant from a seemingly affected father, this does not meet our segregation evidence requirements (PMID: 35499524); No published functional evidence has been identified for this variant; Loss of function is a known mechanism of disease in this gene and is associated with familial Wilms tumour (MONDO:0006058), CTR9-related. The mechanism for neurodevelopmental disorder (MONDO:0700092), CTR9-related, is currently unestablished. While gain of function is suggested based on in vitro assays, animal modelling disputes this (PMID: 35717577); The condition associated with this gene has incomplete penetrance, specifically in familial Wilms tumour (MONDO:0006058), CTR9-related.

CeGaT Center for Human Genetics Tuebingen
Classification: Likely pathogenic. Last evaluated: 2025-01-01. Review status: criteria provided, single submitter. Criteria: CeGaT Center For Human Genetics Tuebingen Variant Classification Criteria Version 2. Collection method: clinical testing. Allele origin: germline. Affected: yes. Observed: 1 variant allele.
Comment: CTR9: PM1, PM2, PP2, PS2:Supporting, PS4:Supporting

GeneDx
Classification: Likely pathogenic. Last evaluated: 2024-03-22. Review status: criteria provided, single submitter. Criteria: GeneDx Variant Classification Process June 2021. Collection method: clinical testing. Allele origin: germline. Affected: yes.
Comment: Not observed at significant frequency in large population cohorts (gnomAD); In silico analysis supports that this missense variant has a deleterious effect on protein structure/function; This variant is associated with the following publications: (PMID: 35499524)

Centre of Medical Genetics, University of Antwerp
Classification: Uncertain significance for CTR9-related neurodevelopmental disorder. Last evaluated: 2021-04-01. Review status: flagged submission. Criteria: ACMG Guidelines, 2015. Collection method: research. Allele origin: paternal. Affected: yes. Not counted in ClinVar's aggregate classification.
Comment: PM2, PP3
ClinVar note: Reason: Older claim that does not account for recent evidence

Literature cited by the submitters: PubMed 35499524 (cited by Victorian Clinical Genetics Services, Murdoch Childrens Research Institute); PubMed 35717577 (cited by Victorian Clinical Genetics Services, Murdoch Childrens Research Institute).